The following is an entry in ClinVar:

NM_020822.3(KCNT1):c.1237G>A (p.Asp413Asn)

Gene: KCNT1 (potassium sodium-activated channel subfamily T member 1; plus strand). Cytogenetic location: 9q34.3.
Variant type: single nucleotide variant.
Coding change: c.1237G>A on transcript NM_020822.3 (MANE Select); coding-DNA position 1237, G replaced by A.
Protein change: p.Asp413Asn; replaces aspartic acid 413 with asparagine.
Molecular consequence: missense variant.
Genome position (GRCh38, 1-based): chr9:135,765,660, G>A. VCF-style: chr9-135765660-G-A. GRCh37 (hg19) VCF-style: chr9-138657506-G-A.
Other names: c.1102G>A, p.Asp368Asn (NM_001272003.2); short protein forms D368N, D413N.
Identifiers: ClinVar variation 1415825 (VCV001415825.6), dbSNP rs2131477515, ClinGen allele CA375501258.

ClinVar aggregate classification (germline): Uncertain significance (1 of 4 stars; one submission).

Conditions:
Developmental and epileptic encephalopathy, 14 (DEE14). Also called: Early infantile epileptic encephalopathy 14. Identifiers: Orphanet 293181, MedGen C3554195, MONDO:0013989, OMIM 614959.
Autosomal dominant nocturnal frontal lobe epilepsy 5. Also called: KCNT1-Related Epilepsy; CILIARY DYSKINESIA, PRIMARY, 28, WITH SITUS INVERSUS; Epilepsy, nocturnal frontal lobe, 5; CILIARY DYSKINESIA, PRIMARY, 28, WITHOUT SITUS INVERSUS. Identifiers: Orphanet 98784, MedGen C3554306, MONDO:0014002, OMIM 615005.

Submission:

Labcorp Genetics (formerly Invitae), Labcorp
Classification: Uncertain significance for Autosomal dominant nocturnal frontal lobe epilepsy 5; Developmental and epileptic encephalopathy, 14. Last evaluated: 2021-09-10. Review status: criteria provided, single submitter. Criteria: Invitae Variant Classification Sherloc (09022015). Collection method: clinical testing. Allele origin: germline.
Comment: In summary, the available evidence is currently insufficient to determine the role of this variant in disease. Therefore, it has been classified as a Variant of Uncertain Significance. Advanced modeling of protein sequence and biophysical properties (such as structural, functional, and spatial information, amino acid conservation, physicochemical variation, residue mobility, and thermodynamic stability) performed at Invitae indicates that this missense variant is expected to disrupt KCNT1 protein function. This variant has not been reported in the literature in individuals affected with KCNT1-related conditions. This variant is not present in population databases (ExAC no frequency). This sequence change replaces aspartic acid with asparagine at codon 413 of the KCNT1 protein (p.Asp413Asn). The aspartic acid residue is highly conserved and there is a small physicochemical difference between aspartic acid and asparagine.